The following is an entry in ClinVar:

ClinVar aggregate classification (germline): Uncertain significance. Review status: criteria provided, multiple submitters, no conflicts (2 of 4 stars). 3 submissions from 3 submitters: Uncertain significance (3). Last evaluated 2025-08-29.

Conditions:
Hereditary cancer-predisposing syndrome. Also called: Tumor predisposition; Hereditary neoplastic syndrome; Hereditary Cancer Syndrome; Neoplastic Syndromes, Hereditary. Identifiers: Orphanet 140162, MedGen C0027672, MeSH D009386, MONDO:0015356.

Allele frequency attached by ClinVar (database versions not stated): TOPMed below 0.00001; gnomAD 0.00001.
gnomAD v4.1: 1 of 1,613,160 alleles (0.000062%); highest among the groups gnomAD compares: African/African-American, 0.0013%; no homozygotes.

Submissions (3):

Ambry Genetics
Classification: Uncertain significance for Hereditary cancer-predisposing syndrome. Last evaluated: 2025-08-29. Review status: criteria provided, single submitter. Criteria: Ambry Variant Classification Scheme 2023. Collection method: clinical testing. Allele origin: germline.
Comment: The p.V1195D variant (also known as c.3584T>A), located in coding exon 30 of the POLE gene, results from a T to A substitution at nucleotide position 3584. The valine at codon 1195 is replaced by aspartic acid, an amino acid with highly dissimilar properties. This amino acid position is conserved. In addition, this alteration is predicted to be tolerated by in silico analysis. Since supporting evidence is limited at this time, the clinical significance of this alteration remains unclear.

Labcorp Genetics (formerly Invitae), Labcorp
Classification: Uncertain significance. Last evaluated: 2024-05-01. Review status: criteria provided, single submitter. Criteria: Invitae Variant Classification Sherloc (09022015). Collection method: clinical testing. Allele origin: germline.
Comment: This sequence change replaces valine, which is neutral and non-polar, with aspartic acid, which is acidic and polar, at codon 1195 of the POLE protein (p.Val1195Asp). This variant is not present in population databases (gnomAD no frequency). This variant has not been reported in the literature in individuals affected with POLE-related conditions. ClinVar contains an entry for this variant (Variation ID: 1053540). An algorithm developed to predict the effect of missense changes on protein structure and function (PolyPhen-2) suggests that this variant is likely to be tolerated. In summary, the available evidence is currently insufficient to determine the role of this variant in disease. Therefore, it has been classified as a Variant of Uncertain Significance.

GeneDx
Classification: Uncertain significance. Last evaluated: 2024-02-12. Review status: criteria provided, single submitter. Criteria: GeneDx Variant Classification Process June 2021. Collection method: clinical testing. Allele origin: germline. Affected: yes.
Comment: Not observed at significant frequency in large population cohorts (gnomAD); In silico analysis supports that this missense variant does not alter protein structure/function; Has not been previously published as pathogenic or benign to our knowledge

NM_006231.4(POLE):c.3584T>A (p.Val1195Asp)

Gene: POLE (DNA polymerase epsilon, catalytic subunit; minus strand). Cytogenetic location: 12q24.33.
Variant type: single nucleotide variant.
Coding change: c.3584T>A on transcript NM_006231.4 (MANE Select); coding-DNA position 3584, T replaced by A.
Protein change: p.Val1195Asp; replaces valine 1195 with aspartic acid.
Molecular consequence: missense variant.
Genome position (GRCh38, 1-based): chr12:132,649,888, A>T on the plus strand (T>A on the coding strand, the complement: POLE is on the minus strand). VCF-style: chr12-132649888-A-T. GRCh37 (hg19) VCF-style: chr12-133226474-A-T.
Other names: c.3584T>A (NM_006231.2); short protein forms V1195D.
Identifiers: ClinVar variation 1053540 (VCV001053540.14), dbSNP rs1257772353, ClinGen allele CA387387102.
Genomic context (GRCh38, chr12:132,649,888, plus strand): 5'-AAGTCCTCCATGTCAGGAGCACTTGGCCTCGGACTGTCTTCTGAGGCCTCGGCCATCGTG[A>T]CCTGGAAAGACCCAGTGAAGCCTTAAATCTCAGGATCTCGGGCTGCGCAGGGTGGCTCAT-3'
Protein context (NP_006222.2, residues 1185-1205): ELFTLEGRRQ[Val1195Asp]TMAEASEDSP